The following is an entry in ClinVar:

ClinVar aggregate classification (germline): Uncertain significance (1 of 4 stars; one submission).

Conditions:
Hereditary cancer-predisposing syndrome. Also called: Neoplastic Syndromes, Hereditary; Tumor predisposition; Hereditary Cancer Syndrome; Hereditary neoplastic syndrome. Identifiers: Orphanet 140162, MedGen C0027672, MeSH D009386, MONDO:0015356.

Submission:

Ambry Genetics
Classification: Uncertain significance for Hereditary cancer-predisposing syndrome. Last evaluated: 2021-12-20. Review status: criteria provided, single submitter. Criteria: Ambry Variant Classification Scheme 2023. Collection method: clinical testing. Allele origin: germline.
Comment: The p.G253R variant (also known as c.757G>A), located in coding exon 6 of the CDK4 gene, results from a G to A substitution at nucleotide position 757. The glycine at codon 253 is replaced by arginine, an amino acid with dissimilar properties. This amino acid position is not well conserved in available vertebrate species. In addition, this alteration is predicted to be tolerated by in silico analysis. Since supporting evidence is limited at this time, the clinical significance of this alteration remains unclear.

NM_000075.4(CDK4):c.757G>A (p.Gly253Arg)

Genes: CDK4 (cyclin dependent kinase 4; minus strand), TSPAN31 (tetraspanin 31; plus strand). Cytogenetic location: 12q14.1.
Variant type: single nucleotide variant.
Coding change: c.757G>A on transcript NM_000075.4 (MANE Select); coding-DNA position 757, G replaced by A.
Protein change: p.Gly253Arg; replaces glycine 253 with arginine.
Molecular consequence: missense variant. On other transcripts: 3 prime UTR variant (3).
Genome position (GRCh38, 1-based): chr12:57,749,244, C>T on the plus strand (G>A on the coding strand, the complement: CDK4 is on the minus strand). VCF-style: chr12-57749244-C-T. GRCh37 (hg19) VCF-style: chr12-58143027-C-T.
Other names: c.*1954C>T (NM_001330168.2, NM_001330169.2, NM_005981.5); short protein forms G253R.
Identifiers: ClinVar variation 1759615 (VCV001759615.2), dbSNP rs1955201304, ClinGen allele CA385543315.